The following is an entry in ClinVar:

ClinVar aggregate classification (germline): Benign/Likely benign. Review status: criteria provided, multiple submitters, no conflicts (2 of 4 stars). 4 submissions from 4 submitters: Benign (1); Likely benign (3). Last evaluated 2026-06-10.

Conditions:
Tumor predisposition syndrome 2 (TPDS2). Also called: MBD4-ASSOCIATED NEOPLASIA SYNDROME; MBD4-associated neoplasia syndrome (MANS); MBD4-Related Tumor Predisposition Syndrome. Identifiers: Orphanet 661526, MedGen C5774186, MONDO:0859267, OMIM 619975.
MBD4-related disorder. Also called: MBD4-related condition.
Inborn genetic diseases. Identifiers: MedGen C0950123, MeSH D030342.

Allele frequency attached by ClinVar (database versions not stated): TOPMed 0.00002; gnomAD 0.00003.
gnomAD v4.1: 12 of 1,613,922 alleles (0.00074%); highest among the groups gnomAD compares: African/African-American, 0.0067%; no homozygotes.

Submissions (4):

Myriad Genetics, Inc.
Classification: Benign for Tumor predisposition syndrome 2. Last evaluated: 2026-06-10. Review status: criteria provided, single submitter. Criteria: Myriad Autosomal Dominant, Autosomal Recessive and X-Linked Classification Criteria (2023). Collection method: clinical testing. Allele origin: unknown.
Comment: This variant is considered benign. This variant is a silent/synonymous amino acid change and it is not expected to impact splicing.

Labcorp Genetics (formerly Invitae), Labcorp
Classification: Likely benign. Last evaluated: 2025-12-01. Review status: criteria provided, single submitter. Criteria: Invitae Variant Classification Sherloc (09022015). Collection method: clinical testing. Allele origin: germline.

PreventionGenetics, part of Exact Sciences
Classification: Likely benign for MBD4-related condition. Last evaluated: 2025-11-29. Review status: criteria provided, single submitter. Criteria: ACMG Guidelines, 2015. Collection method: clinical testing. Allele origin: germline.
Comment: This variant is classified as likely benign based on ACMG/AMP sequence variant interpretation guidelines (Richards et al. 2015 PMID: 25741868, with internal and published modifications).

Ambry Genetics
Classification: Likely benign for Inborn genetic diseases. Last evaluated: 2024-12-13. Review status: criteria provided, single submitter. Criteria: Ambry Variant Classification Scheme 2023. Collection method: clinical testing. Allele origin: germline.

NM_001276270.2(MBD4):c.1053C>T (p.Thr351=)

Gene: MBD4 (methyl-CpG binding domain 4, DNA glycosylase; minus strand). Cytogenetic location: 3q21.3.
Variant type: single nucleotide variant.
Coding change: c.1053C>T on transcript NM_001276270.2 (MANE Select); coding-DNA position 1053, C replaced by T.
Protein change: p.Thr351=; no amino-acid change (threonine 351 retained).
Molecular consequence: synonymous variant. On other transcripts: intron variant (1).
Genome position (GRCh38, 1-based): chr3:129,436,591, G>A on the plus strand (C>T on the coding strand, the complement: MBD4 is on the minus strand). VCF-style: chr3-129436591-G-A. GRCh37 (hg19) VCF-style: chr3-129155434-G-A.
Other names: c.1053C>T (NM_003925.2); c.1053C>T, p.Thr351= (NM_001276271.2, NM_001276272.2, NM_003925.3); c.247+1217C>T (NM_001276273.2).
Identifiers: ClinVar variation 3022384 (VCV003022384.6), dbSNP rs1057130742, ClinGen allele CA82636046.